The following is an entry in ClinVar:

ClinVar aggregate classification (germline): Uncertain significance (1 of 4 stars; one submission).

Conditions:
Inborn genetic diseases. Identifiers: MedGen C0950123, MeSH D030342.

gnomAD v4.1: 3 of 1,611,954 alleles (0.00019%); highest among the groups gnomAD compares: Non-Finnish European, 0.00025%; no homozygotes.

Submission:

Ambry Genetics
Classification: Uncertain significance for Inborn genetic diseases. Last evaluated: 2025-10-12. Review status: criteria provided, single submitter. Criteria: Ambry Variant Classification Scheme 2023. Collection method: clinical testing. Allele origin: germline.
Comment: The p.F1255I variant (also known as c.3763T>A), located in coding exon 33 of the RTEL1 gene, results from a T to A substitution at nucleotide position 3763. The phenylalanine at codon 1255 is replaced by isoleucine, an amino acid with highly similar properties. This amino acid position is conserved. In addition, the in silico prediction for this alteration is inconclusive. Based on the available evidence, the clinical significance of this variant remains unclear.

NM_001283009.2(RTEL1):c.3763T>A (p.Phe1255Ile)

Genes: RTEL1 (regulator of telomere elongation helicase 1; plus strand), RTEL1-TNFRSF6B (RTEL1-TNFRSF6B readthrough (NMD candidate); plus strand). Cytogenetic location: 20q13.33.
Variant type: single nucleotide variant.
Coding change: c.3763T>A on transcript NM_001283009.2 (MANE Select); coding-DNA position 3763, T replaced by A.
Protein change: p.Phe1255Ile; replaces phenylalanine 1255 with isoleucine.
Molecular consequence: missense variant. On other transcripts: non-coding transcript variant (1), intron variant (3).
Genome position (GRCh38, 1-based): chr20:63,695,591, T>A. VCF-style: chr20-63695591-T-A. GRCh37 (hg19) VCF-style: chr20-62326944-T-A.
Other names: c.2983+111T>A (NM_001283010.1); c.3724+111T>A (NM_032957.5); c.3652+111T>A (NM_016434.4); short protein forms F1255I.
Identifiers: ClinVar variation 4629539 (VCV004629539.1).